The following is an entry in ClinVar:

ClinVar aggregate classification (germline): Benign/Likely benign. Review status: criteria provided, multiple submitters, no conflicts (2 of 4 stars). 3 submissions from 3 submitters: Benign (1); Likely benign (2). Last evaluated 2023-05-01.

Allele frequency attached by ClinVar (database versions not stated): 1000 Genomes Project 0.00220; 1000 Genomes Project 30x 0.00234; gnomAD exomes 0.00647 and 0.00770; gnomAD 0.00701 and 0.00759; TOPMed 0.00735; ExAC 0.00822.
gnomAD v4.1: 5,108 of 672,782 alleles (0.76%); highest among the groups gnomAD compares: Non-Finnish European, 1.1%; 39 homozygotes.

Submissions (3):

CeGaT Center for Human Genetics Tuebingen
Classification: Benign. Last evaluated: 2023-05-01. Review status: criteria provided, single submitter. Criteria: CeGaT Center For Human Genetics Tuebingen Variant Classification Criteria Version 2. Collection method: clinical testing. Allele origin: germline. Affected: yes. Observed: 5 variant alleles.
Comment: COL9A3: BS1, BS2

GeneDx
Classification: Likely benign. Last evaluated: 2018-10-01. Review status: criteria provided, single submitter. Criteria: GeneDx Variant Classification Process June 2021. Collection method: clinical testing. Allele origin: germline. Affected: yes.

Breakthrough Genomics
Classification: Likely benign. Review status: criteria provided, single submitter. Criteria: ACMG Guidelines, 2015. Collection method: not provided. Allele origin: germline. Inheritance: Autosomal recessive inheritance. Affected: yes.

NM_001853.4(COL9A3):c.147+219G>A

Gene: COL9A3 (collagen type IX alpha 3 chain; plus strand). Cytogenetic location: 20q13.33.
Variant type: single nucleotide variant.
Coding change: c.147+219G>A on transcript NM_001853.4 (MANE Select); 219 bases into the intron after coding-DNA position 147, G replaced by A.
Molecular consequence: intron variant.
Genome position (GRCh38, 1-based): chr20:62,817,854, G>A. VCF-style: chr20-62817854-G-A. GRCh37 (hg19) VCF-style: chr20-61449206-G-A.
Identifiers: ClinVar variation 1207688 (VCV001207688.28), dbSNP rs535876836, ClinGen allele CA9949020.